The following is an entry in ClinVar:

NM_017534.6(MYH2):c.4420G>T (p.Glu1474Ter)

Genes: MYH2 (myosin heavy chain 2; minus strand), MYHAS (myosin heavy chain gene cluster antisense RNA; plus strand), LOC126862500 (BRD4-independent group 4 enhancer GRCh37_chr17:10427829-10429028; plus strand). Cytogenetic location: 17p13.1.
Variant type: single nucleotide variant.
Coding change: c.4420G>T on transcript NM_017534.6 (MANE Select); coding-DNA position 4420, G replaced by T.
Protein change: p.Glu1474Ter; replaces glutamic acid 1474 with a stop codon.
Molecular consequence: nonsense.
Genome position (GRCh38, 1-based): chr17:10,525,568, C>A on the plus strand (G>T on the coding strand, the complement: MYH2 is on the minus strand). VCF-style: chr17-10525568-C-A. GRCh37 (hg19) VCF-style: chr17-10428885-C-A.
Other names: c.4420G>T, p.Glu1474Ter (NM_001100112.2); short protein forms E1474*.
Identifiers: ClinVar variation 2904604 (VCV002904604.4), dbSNP rs1313498386, ClinGen allele CA398125880.
Genomic context (GRCh38, chr17:10,525,568, plus strand): 5'-AGGCATTCTTTATCTTGAACAGCTCAGTGCCAAGGGAACGGGCCTCCTTCTGGGAGGCCT[C>A]AAGCTCAGCATGCGTTTCCTCACATTTCTGTTTCCATTCTGCCAGGATCTGAAAAACCAA-3'

ClinVar aggregate classification (germline): Pathogenic/Likely pathogenic. Review status: criteria provided, multiple submitters, no conflicts (2 of 4 stars). 2 submissions from 2 submitters: Pathogenic (1); Likely pathogenic (1). Last evaluated 2023-08-27.

Conditions:
Myopathy, proximal, and ophthalmoplegia (CMYO6). Also called: MYOPATHY WITH CONGENITAL JOINT CONTRACTURES, OPHTHALMOPLEGIA, AND RIMMED VACUOLES; INCLUSION BODY MYOPATHY 3, AUTOSOMAL DOMINANT; CONGENITAL MYOPATHY 6 WITH OPHTHALMOPLEGIA. Identifiers: Orphanet 363677, Orphanet 79091, MedGen C1854106, MONDO:0011577, OMIM 605637.

Allele frequency attached by ClinVar (database versions not stated): TOPMed below 0.00001.
gnomAD v4.1: 3 of 1,614,060 alleles (0.00019%); highest among the groups gnomAD compares: East Asian, 0.0067%; no homozygotes.

Submissions (2):

Labcorp Genetics (formerly Invitae), Labcorp
Classification: Pathogenic for Myopathy, proximal, and ophthalmoplegia. Last evaluated: 2023-08-27. Review status: criteria provided, single submitter. Criteria: Invitae Variant Classification Sherloc (09022015). Collection method: clinical testing. Allele origin: germline.
Comment: For these reasons, this variant has been classified as Pathogenic. This variant has not been reported in the literature in individuals affected with MYH2-related conditions. This variant is present in population databases (no rsID available, gnomAD 0.02%). This sequence change creates a premature translational stop signal (p.Glu1474*) in the MYH2 gene. It is expected to result in an absent or disrupted protein product. Loss-of-function variants in MYH2 are known to be pathogenic (PMID: 20418530, 23388406, 24193343).

Juno Genomics, Hangzhou Juno Genomics, Inc
Classification: Likely pathogenic for Myopathy, proximal, and ophthalmoplegia. Review status: criteria provided, single submitter. Criteria: ACMG Guidelines, 2015. Collection method: clinical testing. Allele origin: germline. Affected: yes.
Comment: Absent from controls (or at extremely low frequency if recessive) in Genome Aggregation Database, Exome Sequencing Project, 1000 Genomes Project, or Exome Aggregation Consortium.;Null variant in a gene where loss of function (LOF) is a known mechanism of disease.

Literature cited by the submitters: PubMed 20418530 (cited by Labcorp Genetics (formerly Invitae), Labcorp); PubMed 23388406 (cited by Labcorp Genetics (formerly Invitae), Labcorp); PubMed 24193343 (cited by Labcorp Genetics (formerly Invitae), Labcorp).